The following is an entry in ClinVar:

ClinVar aggregate classification (germline): Conflicting classifications of pathogenicity. Review status: criteria provided, conflicting classifications (1 of 4 stars). 7 submissions from 7 submitters: Likely pathogenic (4); Uncertain significance (3). Last evaluated 2025-10-20.

Conditions:
Breast-ovarian cancer, familial, susceptibility to, 4. Identifiers: Orphanet 145, MedGen C3280345, MONDO:0013669, OMIM 614291.
RAD51D-related disorder. Also called: RAD51D-related condition.
Hereditary cancer-predisposing syndrome. Also called: Hereditary Cancer Syndrome; Neoplastic Syndromes, Hereditary; Tumor predisposition; Hereditary neoplastic syndrome. Identifiers: Orphanet 140162, MedGen C0027672, MeSH D009386, MONDO:0015356.

Allele frequency attached by ClinVar (database versions not stated): gnomAD exomes below 0.00001; TOPMed below 0.00001; gnomAD 0.00001; 1000 Genomes Project 30x 0.00016.
gnomAD v4.1: 3 of 1,612,760 alleles (0.00019%); highest among the groups gnomAD compares: East Asian, 0.0022%; no homozygotes.

Submissions (7):

Ambry Genetics
Classification: Uncertain significance for Hereditary cancer-predisposing syndrome. Last evaluated: 2025-10-20. Review status: criteria provided, single submitter. Criteria: Ambry Variant Classification Scheme 2023. Collection method: clinical testing. Allele origin: germline.
Comment: The c.263+1G>A intronic variant results from a G to A substitution one nucleotide after coding exon 3 of the RAD51D gene. This nucleotide position is highly conserved in available vertebrate species. In silico splice site analysis predicts that this alteration will weaken the native splice donor site; however, direct evidence is insufficient at this time (Ambry internal data). In addition, RNA data has shown that exon 3 is excluded in several naturally occurring RAD51D isoforms (Davy G et al. Eur. J. Hum. Genet., 2017 10;25:1147-1154; Ambry internal data). Based on the available evidence, the clinical significance of this variant remains unclear.

Labcorp Genetics (formerly Invitae), Labcorp
Classification: Likely pathogenic for Breast-ovarian cancer, familial, susceptibility to, 4. Last evaluated: 2025-04-30. Review status: criteria provided, single submitter. Criteria: Invitae Variant Classification Sherloc (09022015). Collection method: clinical testing. Allele origin: germline.
Comment: This sequence change affects a donor splice site in intron 3 of the RAD51D gene. It is expected to disrupt RNA splicing. Variants that disrupt the donor or acceptor splice site typically lead to a loss of protein function (PMID: 16199547), and loss-of-function variants in RAD51D are known to be pathogenic (PMID: 21822267). This variant is not present in population databases (gnomAD no frequency). Disruption of this splice site has been observed in individual(s) with pancreatic cancer, ovarian cancer and/or breast cancer (PMID: 26261251, 26720728, 29506128, 32107557). ClinVar contains an entry for this variant (Variation ID: 480542). Studies have shown that disruption of this splice site is associated with inconclusive levels of altered splicing (internal data). In summary, the currently available evidence indicates that the variant is pathogenic, but additional data are needed to prove that conclusively. Therefore, this variant has been classified as Likely Pathogenic.

Myriad Genetics, Inc.
Classification: Likely pathogenic for Breast-ovarian cancer, familial, susceptibility to, 4. Last evaluated: 2024-01-04. Review status: criteria provided, single submitter. Criteria: Myriad Autosomal Dominant, Autosomal Recessive and X-Linked Classification Criteria (2023). Collection method: clinical testing. Allele origin: unknown.
Comment: This variant is considered likely pathogenic. This variant occurs within a consensus splice junction and is predicted to result in abnormal mRNA splicing of either an out-of-frame exon or an in-frame exon necessary for protein stability and/or normal function.

PreventionGenetics, part of Exact Sciences
Classification: Uncertain significance for RAD51D-related condition. Last evaluated: 2022-09-27. Review status: criteria provided, single submitter. Criteria: ACMG Guidelines, 2015. Collection method: clinical testing. Allele origin: germline.
Comment: The RAD51D c.263+1G>A variant is predicted to disrupt the GT donor site and interfere with normal splicing. This variant has been previously reported in individuals with breast and/or ovarian cancer (Song et al. 2015. PubMed ID: 26261251; Yang et al. 2020. PubMed ID: 32107557, Supplementary Table 6; Norquist et al. 2016. PubMed ID: 26720728, eTable 1), and observed in a cohort of patients with exocrine pancreatic neoplasms (Lowery et al. 2018. PubMed ID: 29506128). This variant has not been reported in a large population database, indicating this variant is rare. This variant has conflicting interpretations of pathogenicity in ClinVar ranging from likely pathogenic to uncertain significance. Although we suspect that c.263+1G>A variant may be pathogenic, at this time, the clinical significance of this variant is uncertain due to the absence of conclusive functional and genetic evidence.

Baylor Genetics
Classification: Likely pathogenic for Breast-ovarian cancer, familial, susceptibility to, 4. Last evaluated: 2021-11-27. Review status: criteria provided, single submitter. Criteria: ACMG Guidelines, 2015. Collection method: clinical testing. Allele origin: unknown.

GeneDx
Classification: Uncertain significance. Last evaluated: 2021-10-27. Review status: criteria provided, single submitter. Criteria: GeneDx Variant Classification Process June 2021. Collection method: clinical testing. Allele origin: germline. Affected: yes.
Comment: Canonical splice site variant predicted to result in skipping of the adjacent exon 3; however, RNA studies demonstrate naturally occurring isoforms lacking exon 3 in multiple tissues (Davy 2017, Brandao 2019); Not observed at significant frequency in large population cohorts (Lek 2016); Observed in individuals with personal and family history of ovarian cancer or with pancreatic cancer (Song 2015, Lowery 2018); This variant is associated with the following publications: (PMID: 29506128, 26261251)

Color Diagnostics, LLC DBA Color Health
Classification: Likely pathogenic for Hereditary cancer-predisposing syndrome. Last evaluated: 2019-04-03. Review status: criteria provided, single submitter. Criteria: ACMG Guidelines, 2015. Collection method: clinical testing. Allele origin: germline.

Literature cited by the submitters: PubMed 26261251 (cited by Ambry Genetics and Labcorp Genetics (formerly Invitae), Labcorp); PubMed 26720728 (cited by Ambry Genetics and Labcorp Genetics (formerly Invitae), Labcorp); PubMed 28905878 (cited by Ambry Genetics); PubMed 16199547 (cited by Labcorp Genetics (formerly Invitae), Labcorp); PubMed 21822267 (cited by Labcorp Genetics (formerly Invitae), Labcorp); PubMed 29506128 (cited by Labcorp Genetics (formerly Invitae), Labcorp); PubMed 32107557 (cited by Labcorp Genetics (formerly Invitae), Labcorp).

NM_002878.4(RAD51D):c.263+1G>A

Genes: RAD51L3-RFFL (RAD51L3-RFFL readthrough; minus strand), RAD51D (RAD51 paralog D; minus strand). Cytogenetic location: 17q12.
Variant type: single nucleotide variant.
Coding change: c.263+1G>A on transcript NM_002878.4 (MANE Select); the canonical splice donor site of the intron after coding-DNA position 263, G replaced by A.
Molecular consequence: splice donor variant. On other transcripts: intron variant (2).
Genome position (GRCh38, 1-based): chr17:35,118,500, C>T on the plus strand (G>A on the coding strand, the complement: RAD51D is on the minus strand). VCF-style: chr17-35118500-C-T. GRCh37 (hg19) VCF-style: chr17-33445519-C-T.
Other names: c.144+611G>A (NM_133629.3, NM_001142571.2).
Identifiers: ClinVar variation 480542 (VCV000480542.23), dbSNP rs1555570242, ClinGen allele CA399091172.